The following is an entry in ClinVar:

ClinVar aggregate classification (germline): Uncertain significance. Review status: criteria provided, multiple submitters, no conflicts (2 of 4 stars). 2 submissions from 2 submitters: Uncertain significance (2). Last evaluated 2026-09-11.

Conditions:
Familial thoracic aortic aneurysm and aortic dissection (TAAD). Also called: Thoracic aortic aneurysms and dissections. Identifiers: Orphanet 91387, MedGen C4707243, MONDO:0019625.

Allele frequency attached by ClinVar (database versions not stated): gnomAD exomes below 0.00001; gnomAD 0.00001.
gnomAD v4.1: 2 of 1,613,886 alleles (0.00012%); highest among the groups gnomAD compares: Non-Finnish European, 0.00017%; no homozygotes.

Submissions (2):

Ambry Genetics
Classification: Uncertain significance for Familial thoracic aortic aneurysm and aortic dissection. Last evaluated: 2026-09-11. Review status: criteria provided, single submitter. Criteria: Ambry Variant Classification Scheme 2023. Collection method: clinical testing. Allele origin: germline.
Comment: The p.M512I variant (also known as c.1536G>T), located in coding exon 7 of the TGFBR2 gene, results from a G to T substitution at nucleotide position 1536. The methionine at codon 512 is replaced by isoleucine, an amino acid with highly similar properties. This amino acid position is conserved. In addition, this alteration is predicted to be tolerated by in silico analysis. Based on the available evidence, the clinical significance of this variant remains unclear.

Labcorp Genetics (formerly Invitae), Labcorp
Classification: Uncertain significance for Familial thoracic aortic aneurysm and aortic dissection. Last evaluated: 2024-03-08. Review status: criteria provided, single submitter. Criteria: Invitae Variant Classification Sherloc (09022015). Collection method: clinical testing. Allele origin: germline.
Comment: This sequence change replaces methionine, which is neutral and non-polar, with isoleucine, which is neutral and non-polar, at codon 512 of the TGFBR2 protein (p.Met512Ile). This variant is present in population databases (no rsID available, gnomAD no frequency). This variant has not been reported in the literature in individuals affected with TGFBR2-related conditions. Advanced modeling of protein sequence and biophysical properties (such as structural, functional, and spatial information, amino acid conservation, physicochemical variation, residue mobility, and thermodynamic stability) performed at Invitae indicates that this missense variant is not expected to disrupt TGFBR2 protein function with a negative predictive value of 95%. In summary, the available evidence is currently insufficient to determine the role of this variant in disease. Therefore, it has been classified as a Variant of Uncertain Significance.

NM_003242.6(TGFBR2):c.1536G>T (p.Met512Ile)

Gene: TGFBR2 (transforming growth factor beta receptor 2; plus strand). Cytogenetic location: 3p24.1.
Variant type: single nucleotide variant.
Coding change: c.1536G>T on transcript NM_003242.6 (MANE Select); coding-DNA position 1536, G replaced by T.
Protein change: p.Met512Ile; replaces methionine 512 with isoleucine.
Molecular consequence: missense variant.
Genome position (GRCh38, 1-based): chr3:30,691,431, G>T. VCF-style: chr3-30691431-G-T. GRCh37 (hg19) VCF-style: chr3-30732923-G-T.
Other names: c.1539G>T, p.Met513Ile (NM_001407129.1); c.1533G>T, p.Met511Ile (NM_001407130.1); c.1536G>T (NM_003242.5); c.1611G>T, p.Met537Ile (NM_001024847.3); c.1719G>T, p.Met573Ile (NM_001407126.1); c.1644G>T, p.Met548Ile (NM_001407127.1); c.1563G>T, p.Met521Ile (NM_001407128.1); c.1431G>T, p.Met477Ile (NM_001407132.1, NM_001407133.1, NM_001407134.1 and 2 more transcripts); and 3 more; short protein forms M222I, M392I, M573I, M417I, M477I, M521I, M537I, M511I.
Identifiers: ClinVar variation 3002783 (VCV003002783.4), dbSNP rs1166402557, ClinGen allele CA351809503.